The following is an entry in ClinVar:

NM_170606.3(KMT2C):c.7567C>A (p.Pro2523Thr)

Gene: KMT2C (lysine methyltransferase 2C; minus strand). Cytogenetic location: 7q36.1.
Variant type: single nucleotide variant.
Coding change: c.7567C>A on transcript NM_170606.3 (MANE Select); coding-DNA position 7567, C replaced by A.
Protein change: p.Pro2523Thr; replaces proline 2523 with threonine.
Molecular consequence: missense variant.
Genome position (GRCh38, 1-based): chr7:152,177,886, G>T on the plus strand (C>A on the coding strand, the complement: KMT2C is on the minus strand). VCF-style: chr7-152177886-G-T. GRCh37 (hg19) VCF-style: chr7-151874971-G-T.
Other names: short protein forms P2523T.
Identifiers: ClinVar variation 2574718 (VCV002574718.1), dbSNP rs2129115574, ClinGen allele CA370086406.

ClinVar aggregate classification (germline): Uncertain significance (1 of 4 stars; one submission).

Submission:

GeneDx
Classification: Uncertain significance. Last evaluated: 2023-07-23. Review status: criteria provided, single submitter. Criteria: GeneDx Variant Classification Process June 2021. Collection method: clinical testing. Allele origin: germline. Affected: yes.
Comment: Not observed at significant frequency in large population cohorts (gnomAD); In silico analysis supports that this missense variant has a deleterious effect on protein structure/function; Has not been previously published as pathogenic or benign to our knowledge